The following is an entry in ClinVar:

NM_000400.4(ERCC2):c.2023G>C (p.Gly675Arg)

Gene: ERCC2 (ERCC excision repair 2, TFIIH core complex helicase subunit; minus strand). Cytogenetic location: 19q13.32.
Variant type: single nucleotide variant.
Coding change: c.2023G>C on transcript NM_000400.4 (MANE Select); coding-DNA position 2023, G replaced by C.
Protein change: p.Gly675Arg; replaces glycine 675 with arginine.
Molecular consequence: missense variant.
Genome position (GRCh38, 1-based): chr19:45,352,529, C>G on the plus strand (G>C on the coding strand, the complement: ERCC2 is on the minus strand). VCF-style: chr19-45352529-C-G. GRCh37 (hg19) VCF-style: chr19-45855787-C-G.
Other names: short protein forms G675R.
Identifiers: ClinVar variation 2675053 (VCV002675053.6), dbSNP rs2513999160, ClinGen allele CA406362835.

ClinVar aggregate classification (germline): Pathogenic/Likely pathogenic. Review status: criteria provided, multiple submitters, no conflicts (2 of 4 stars). 4 submissions from 4 submitters: Pathogenic (1); Likely pathogenic (3). Last evaluated 2025-08-07.

Conditions:
ERCC2-related disorder. Also called: ERCC2-related conditions; ERCC2-related condition; ERCC2-related disorders. Identifiers: MedGen CN239291.
Cerebrooculofacioskeletal syndrome 2 (COFS2). Identifiers: MedGen C1853102, MONDO:0012553, OMIM 610756.

Allele frequency attached by ClinVar (database versions not stated): gnomAD exomes below 0.00001.
gnomAD v4.1: 7 of 1,614,176 alleles (0.00043%); highest among the groups gnomAD compares: Non-Finnish European, 0.00042%; no homozygotes.

Submissions (4):

Myriad Genetics, Inc.
Classification: Likely pathogenic for ERCC2-related disorder. Last evaluated: 2025-08-07. Review status: criteria provided, single submitter. Criteria: Myriad Autosomal Dominant, Autosomal Recessive and X-Linked Classification Criteria (2023). Collection method: clinical testing. Allele origin: unknown.
Comment: NM_000400.3(ERCC2):c.2023G>C(G675R) is a missense variant classified as likely pathogenic in the context of ERCC2-related disorders. G675R has been observed in cases with relevant disease (PMID: 7825573, Jeskey__2021_Abstract). Relevant functional assessments of this variant are available in the literature (PMID: 23352696). Internal structural analysis of the variant is supportive of pathogenicity. G675R has not been observed in referenced population frequency databases. In summary, NM_000400.3(ERCC2):c.2023G>C(G675R) is a missense variant that has both functional and internal structural support for pathogenicity and has been observed more frequently in cases with the relevant disease than in healthy populations. Please note: this variant was assessed in the context of healthy population screening.

GeneDx
Classification: Pathogenic. Last evaluated: 2024-10-17. Review status: criteria provided, single submitter. Criteria: GeneDx Variant Classification Process June 2021. Collection method: clinical testing. Allele origin: germline. Affected: yes.
Comment: Published functional studies demonstrate a damaging effect: severe decrease in the ssDNA-dependent ATPase activity, loss of the helicase activity, and abolished p44 binding (PMID: 12820975, 18510925); Not observed at significant frequency in large population cohorts (gnomAD); In silico analysis supports that this missense variant has a deleterious effect on protein structure/function; This variant is associated with the following publications: (PMID: 18510925, 25431422, 12820975, 22234153, 18510924, 7825573)

Labcorp Genetics (formerly Invitae), Labcorp
Classification: Likely pathogenic. Last evaluated: 2023-09-15. Review status: criteria provided, single submitter. Criteria: Invitae Variant Classification Sherloc (09022015). Collection method: clinical testing. Allele origin: germline.
Comment: Advanced modeling of protein sequence and biophysical properties (such as structural, functional, and spatial information, amino acid conservation, physicochemical variation, residue mobility, and thermodynamic stability) performed at Invitae indicates that this missense variant is expected to disrupt ERCC2 protein function. This missense change has been observed in individual(s) with clinical features of xeroderma pigmentosum (PMID: 7825573). In at least one individual the data is consistent with being in trans (on the opposite chromosome) from a pathogenic variant. This variant is not present in population databases (gnomAD no frequency). This sequence change replaces glycine, which is neutral and non-polar, with arginine, which is basic and polar, at codon 675 of the ERCC2 protein (p.Gly675Arg). In summary, the currently available evidence indicates that the variant is pathogenic, but additional data are needed to prove that conclusively. Therefore, this variant has been classified as Likely Pathogenic. Experimental studies have shown that this missense change affects ERCC2 function (PMID: 12820975, 25431422).

Baylor Genetics
Classification: Likely pathogenic for Cerebrooculofacioskeletal syndrome 2. Last evaluated: 2023-05-02. Review status: criteria provided, single submitter. Criteria: ACMG Guidelines, 2015. Collection method: clinical testing. Allele origin: unknown.

Literature cited by the submitters: PubMed 23352696 (cited by Myriad Genetics, Inc.); PubMed 7825573 (cited by Labcorp Genetics (formerly Invitae), Labcorp); PubMed 12820975 (cited by Labcorp Genetics (formerly Invitae), Labcorp); PubMed 25431422 (cited by Labcorp Genetics (formerly Invitae), Labcorp).